The following is an entry in ClinVar:

ClinVar aggregate classification (germline): Conflicting classifications of pathogenicity. Review status: criteria provided, conflicting classifications (1 of 4 stars). 2 submissions from 2 submitters: Uncertain significance (1); Likely benign (1). Last evaluated 2023-11-02.

Conditions:
Malignant hyperthermia, susceptibility to, 1 (MHS1). Also called: Malignant hyperthermia suceptibility 1; Anesthesia related hyperthermia; Malignant hyperpyrexia; Fulminating hyperpyrexia; Pharmacogenic myopathy; RYR1-Related Malignant Hyperthermia Susceptibility. Identifiers: Orphanet 423, MedGen C2930980, MONDO:0007783, OMIM 145600.

Allele frequency attached by ClinVar (database versions not stated): gnomAD below 0.00001 and 0.00003; gnomAD exomes 0.00003 and 0.00005; ExAC 0.00007.

Submissions (2):

All of Us Research Program, National Institutes of Health
Classification: Uncertain significance for Malignant hyperthermia, susceptibility to, 1. Last evaluated: 2023-11-02. Review status: criteria provided, single submitter. Criteria: ACMG Guidelines, 2015. Collection method: clinical testing. Allele origin: germline. Inheritance: Autosomal dominant inheritance. Observed: 2 variant alleles, 2 heterozygotes.
Comment: This missense variant replaces glutamic acid with lysine at codon 4590 of the RYR1 protein. Computational prediction suggests that this variant may not impact protein structure and function (internally defined REVEL score threshold <= 0.5, PMID: 27666373). To our knowledge, functional studies have not been reported for this variant. This variant has not been reported in individuals affected with RYR1-related disorders in the literature. This variant has been identified in 13/251320 chromosomes in the general population by the Genome Aggregation Database (gnomAD). The available evidence is insufficient to determine the role of this variant in disease conclusively. Therefore, this variant is classified as a Variant of Uncertain Significance.

This study involves interpretation of variants in research participants for the purpose of population health screening. Participant phenotype was not available at the time of variant classification. Additional details can be found in publication PMID: 35346344, PMCID: PMC8962531

Genetic Services Laboratory, University of Chicago
Classification: Likely benign. Last evaluated: 2015-04-01. Review status: criteria provided, single submitter. Criteria: ACMG Guidelines, 2015. Collection method: clinical testing. Allele origin: germline.

NM_000540.3(RYR1):c.13768G>A (p.Glu4590Lys)

Gene: RYR1 (ryanodine receptor 1; plus strand). Cytogenetic location: 19q13.2.
Variant type: single nucleotide variant.
Coding change: c.13768G>A on transcript NM_000540.3 (MANE Select); coding-DNA position 13768, G replaced by A.
Protein change: p.Glu4590Lys; replaces glutamic acid 4590 with lysine.
Molecular consequence: missense variant.
Genome position (GRCh38, 1-based): chr19:38,572,040, G>A. VCF-style: chr19-38572040-G-A. GRCh37 (hg19) VCF-style: chr19-39062680-G-A.
Other names: c.13753G>A, p.Glu4585Lys (NM_001042723.2); short protein forms E4590K, E4585K.
Identifiers: ClinVar variation 212094 (VCV000212094.7), dbSNP rs766518951, ClinGen allele CA060522.
Genomic context (GRCh38, chr19:38,572,040, plus strand): 5'-TGTGGCAGACCCACAGATGAATCTCTGTCCCCATTTCAGGTCTCAGACTCTCCACCAGGG[G>A]AGGACGACATGGAAGGCTCAGCTGCTGGGGATGTGTCAGGTGCAGGCTCTGGTGGCAGCT-3'
Protein context (NP_000531.2, residues 4580-4600): FYKVSDSPPG[Glu4590Lys]DDMEGSAAGD